The following is an entry in ClinVar:

ClinVar aggregate classification (germline): Uncertain significance (1 of 4 stars; one submission).

Submission:

Labcorp Genetics (formerly Invitae), Labcorp
Classification: Uncertain significance. Last evaluated: 2023-06-26. Review status: criteria provided, single submitter. Criteria: Invitae Variant Classification Sherloc (09022015). Collection method: clinical testing. Allele origin: germline.
Comment: This variant has not been reported in the literature in individuals affected with NEFH-related conditions. This variant is not present in population databases (gnomAD no frequency). This sequence change replaces tyrosine, which is neutral and polar, with histidine, which is basic and polar, at codon 26 of the NEFH protein (p.Tyr26His). ClinVar contains an entry for this variant (Variation ID: 1942032). In summary, the available evidence is currently insufficient to determine the role of this variant in disease. Therefore, it has been classified as a Variant of Uncertain Significance. Advanced modeling of protein sequence and biophysical properties (such as structural, functional, and spatial information, amino acid conservation, physicochemical variation, residue mobility, and thermodynamic stability) performed at Invitae indicates that this missense variant is not expected to disrupt NEFH protein function.

NM_021076.4(NEFH):c.76T>C (p.Tyr26His)

Gene: NEFH (neurofilament heavy chain; plus strand). Cytogenetic location: 22q12.2.
Variant type: single nucleotide variant.
Coding change: c.76T>C on transcript NM_021076.4 (MANE Select); coding-DNA position 76, T replaced by C.
Protein change: p.Tyr26His; replaces tyrosine 26 with histidine.
Molecular consequence: missense variant.
Genome position (GRCh38, 1-based): chr22:29,480,338, T>C. VCF-style: chr22-29480338-T-C. GRCh37 (hg19) VCF-style: chr22-29876327-T-C.
Other names: short protein forms Y26H.
Identifiers: ClinVar variation 1942032 (VCV001942032.5), dbSNP rs2517968075, ClinGen allele CA411121201.